The following is an entry in ClinVar:

NM_015665.6(AAAS):c.1223G>A (p.Gly408Glu)

Gene: AAAS (aladin WD repeat nucleoporin; minus strand). Cytogenetic location: 12q13.13.
Variant type: single nucleotide variant.
Coding change: c.1223G>A on transcript NM_015665.6 (MANE Select); coding-DNA position 1223, G replaced by A.
Protein change: p.Gly408Glu; replaces glycine 408 with glutamic acid.
Molecular consequence: missense variant.
Genome position (GRCh38, 1-based): chr12:53,308,308, C>T on the plus strand (G>A on the coding strand, the complement: AAAS is on the minus strand). VCF-style: chr12-53308308-C-T. GRCh37 (hg19) VCF-style: chr12-53702092-C-T.
Other names: c.1124G>A, p.Gly375Glu (NM_001173466.2); short protein forms G375E, G408E.
Identifiers: ClinVar variation 1805632 (VCV001805632.1), dbSNP rs2498603681, ClinGen allele CA385039206.

ClinVar aggregate classification (germline): Uncertain significance (1 of 4 stars; one submission).

Conditions:
Glucocorticoid deficiency with achalasia (AAAS). Also called: ALACRIMA-ACHALASIA-ADRENAL INSUFFICIENCY NEUROLOGIC DISORDER; Addisonian achalasia syndrome; Achalasia-Addisonianism-Alacrima (Triple-A) Syndrome; AAA syndrome; Allgrove syndrome; Achalasia-addisonianism-alacrimia syndrome. Identifiers: Orphanet 869, MedGen C0271742, MONDO:0009279, OMIM 231550.

Submission:

Victorian Clinical Genetics Services, Murdoch Childrens Research Institute
Classification: Uncertain significance for Glucocorticoid deficiency with achalasia. Last evaluated: 2020-05-25. Review status: criteria provided, single submitter. Criteria: ACMG Guidelines, 2015. Collection method: clinical testing. Allele origin: germline. Inheritance: Autosomal recessive inheritance.
Comment: Based on the classification scheme VCGS_Germline_v1.1.1, this variant is classified as 3B-VUS. Following criteria are met: 0102 - Loss-of-function is a known mechanism of disease for this gene. (N) 0106 - This gene is known to be associated with autosomal recessive disease. (N) 0200 - Variant is predicted to result in a missense amino acid change from glycine to glutamic acid. (N) 0251 - Variant is heterozygous. (N) 0301 - Variant is absent from gnomAD. (P) 0501 - Missense variant consistently predicted to be damaging by multiple in silico tools or highly conserved with a major amino acid change. (P) 0604 - Variant is not located in an established domain, motif, hotspot or informative constraint region. (N) 0705 - No comparable variants have previous evidence for pathogenicity. (N) 0807 - Variant has not previously been reported in a clinical context. (N) 0905 - No segregation evidence has been identified for this variant. (N) 1007 - No published functional evidence has been identified for this variant. (N) 1208 - Inheritance information for this variant is not currently available. (N) Legend: (P) - Pathogenic, (N) - Neutral, (B) - Benign